The following is an entry in ClinVar:

NM_000059.4(BRCA2):c.7855T>C (p.Trp2619Arg)

Gene: BRCA2 (BRCA2 DNA repair associated; plus strand). Cytogenetic location: 13q13.1.
Variant type: single nucleotide variant.
Coding change: c.7855T>C on transcript NM_000059.4 (MANE Select); coding-DNA position 7855, T replaced by C.
Protein change: p.Trp2619Arg; replaces tryptophan 2619 with arginine.
Molecular consequence: missense variant.
Genome position (GRCh38, 1-based): chr13:32,362,572, T>C. VCF-style: chr13-32362572-T-C. GRCh37 (hg19) VCF-style: chr13-32936709-T-C.
Other names: NM_000059.4(BRCA2):c.7855T>C; p.Trp2619Arg; short protein forms W2619R.
Identifiers: ClinVar variation 827289 (VCV000827289.20), dbSNP rs1593923998, ClinGen allele CA387747058.

ClinVar aggregate classification (germline): Likely pathogenic. Review status: reviewed by expert panel (3 of 4 stars). 7 submissions from 7 submitters: Likely pathogenic (1). 6 of the submissions do not count toward it. Last evaluated 2026-07-15.

Conditions:
Hereditary breast ovarian cancer syndrome. Also called: Hereditary breast and ovarian cancer; Hereditary breast and/or ovarian cancer syndrome; Hereditary breast and ovarian cancer syndrome; Hereditary breast and ovarian cancer syndrome (HBOC); Breast and ovarian cancer; BRCA1- and BRCA2-Associated Hereditary Breast and Ovarian Cancer. Identifiers: Orphanet 145, MedGen C0677776, MeSH D061325, MONDO:0003582. Disease mechanism: loss of function.
BRCA2-related cancer predisposition. Identifiers: MedGen CN377758, MONDO:0700269.
Hereditary cancer-predisposing syndrome. Also called: Neoplastic Syndromes, Hereditary; Tumor predisposition; Hereditary neoplastic syndrome; Hereditary Cancer Syndrome. Identifiers: Orphanet 140162, MedGen C0027672, MeSH D009386, MONDO:0015356.

Submissions (7):

ClinGen ENIGMA BRCA1 and BRCA2 Variant Curation Expert Panel, ClinGen
Classification: Likely pathogenic for BRCA2-related cancer predisposition. Last evaluated: 2026-07-15. Review status: reviewed by expert panel. Criteria: CSpec BRCA1/2ACMG Rules Specifications V1.2. Collection method: curation. Allele origin: germline. Inheritance: Autosomal dominant inheritance.
Comment: The variant c.7855T>C in BRCA2 is a missense variant predicted to cause substitution of Tryptophan by Arginine at amino acid 2619 (p.Trp2619Arg). This variant is absent from gnomAD v4.1 (read depth ≥25x in >90% samples, PM2_Supporting met). This BRCA2 missense variant is within a key functional domain and the computational predictor BayesDel (noAF) gives a score of 0.49, above the recommended threshold of 0.30 for prediction of impact on BRCA2 function via protein change. A SpliceAI score of 0.08 predicts no impact on splicing (score threshold ≤0.1) (PP3 met). Reported by three calibrated studies to exhibit protein function similar to pathogenic control variants (PMIDs:38417439, 39779857, 39779848) (PS3 met). In summary, this variant meets the criteria to be classified as a Likely pathogenic variant for BRCA2-related cancer predisposition based on the ACMG/AMP criteria applied as specified by the ENIGMA BRCA1/2 VCEP (PM2_Supporting, PP3, PS3).

Ambry Genetics
Classification: Likely pathogenic for Hereditary cancer-predisposing syndrome. Last evaluated: 2025-12-03. Review status: criteria provided, single submitter. Criteria: Ambry Variant Classification Scheme 2023. Collection method: clinical testing. Allele origin: germline. Not counted in ClinVar's aggregate classification.
Comment: The p.W2619R variant (also known as c.7855T>C), located in coding exon 16 of the BRCA2 gene, results from a T to C substitution at nucleotide position 7855. The tryptophan at codon 2619 is replaced by arginine, an amino acid with dissimilar properties. This variant was non-functional in a homology-directed DNA repair (HDR) assay (Ambry internal data). This variant is considered to be rare based on population cohorts in the Genome Aggregation Database (gnomAD). This amino acid position is highly conserved in available vertebrate species. In addition, this alteration is predicted to be deleterious by in silico analysis. Based on the majority of available evidence to date, this variant is likely to be pathogenic.

Color Diagnostics, LLC DBA Color Health
Classification: Likely pathogenic for Hereditary cancer-predisposing syndrome. Last evaluated: 2025-08-28. Review status: criteria provided, single submitter. Criteria: ACMG Guidelines, 2015. Collection method: clinical testing. Allele origin: germline. Not counted in ClinVar's aggregate classification.
Comment: This missense variant replaces tryptophan with arginine at codon 2619 of the BRCA2 protein. Computational prediction suggests that this variant may have deleterious impact on protein structure and function. Functional studies reported that this variant impacts BRCA2 in a haploid cell proliferation assay and in sensitivity assays to cisplatin and PARP inhibitor (PMID: 39779848, 39779857). To our knowledge, this variant has not been reported in individuals affected with BRCA2-related disorders in the literature. Another missense variant at this amino acid position, p.Trp2619Cys, has been reported as disease-causing in ClinVar (variation ID: 438744]. This variant has not been identified in the general population by the Genome Aggregation Database (gnomAD). Based on the available evidence, this variant is classified as Likely Pathogenic.

Women's Health and Genetics/Laboratory Corporation of America, LabCorp
Classification: Uncertain significance. Last evaluated: 2025-04-07. Review status: criteria provided, single submitter. Criteria: LabCorp Variant Classification Summary - May 2015. Collection method: clinical testing. Allele origin: germline. Not counted in ClinVar's aggregate classification.
Comment: Variant summary: BRCA2 c.7855T>C (p.Trp2619Arg) results in a non-conservative amino acid change in the encoded protein sequence. Five of five in-silico tools predict a damaging effect of the variant on protein function. The variant was absent in 251256 control chromosomes. The available data on variant occurrences in the general population are insufficient to allow any conclusion about variant significance. To our knowledge, no occurrence of c.7855T>C in individuals affected with Hereditary Breast And Ovarian Cancer Syndrome and no experimental evidence demonstrating its impact on protein function have been reported. ClinVar contains an entry for this variant (Variation ID: 827289). Based on the evidence outlined above, the variant was classified as uncertain significance.

Quest Diagnostics Nichols Institute San Juan Capistrano
Classification: Uncertain significance. Last evaluated: 2025-02-17. Review status: criteria provided, single submitter. Criteria: Quest Diagnostics criteria. Collection method: clinical testing. Allele origin: unknown. Not counted in ClinVar's aggregate classification.
Comment: The BRCA2 c.7855T>C (p.Trp2619Arg) variant has been reported in the published literature in an individual with a personal or family history of breast cancer (PMID: 37415649 (2023)). A saturation genome editing assay measuring DNA repair-dependent cell survival characterized this variant as pathogenic (PMID: 39779848 (2025)). This variant has not been reported in large, multi-ethnic general populations (Genome Aggregation Database). Analysis of this variant using bioinformatics tools for the prediction of the effect of amino acid changes on protein structure and function yielded predictions that this variant is damaging. Based on the available information, we are unable to determine the clinical significance of this variant.

Labcorp Genetics (formerly Invitae), Labcorp
Classification: Uncertain significance for Hereditary breast ovarian cancer syndrome. Last evaluated: 2024-12-25. Review status: criteria provided, single submitter. Criteria: Invitae Variant Classification Sherloc (09022015). Collection method: clinical testing. Allele origin: germline. Not counted in ClinVar's aggregate classification.
Comment: This sequence change replaces tryptophan, which is neutral and slightly polar, with arginine, which is basic and polar, at codon 2619 of the BRCA2 protein (p.Trp2619Arg). This variant is not present in population databases (gnomAD no frequency). This variant has not been reported in the literature in individuals affected with BRCA2-related conditions. ClinVar contains an entry for this variant (Variation ID: 827289). Invitae Evidence Modeling of protein sequence and biophysical properties (such as structural, functional, and spatial information, amino acid conservation, physicochemical variation, residue mobility, and thermodynamic stability) has been performed for this missense variant. However, the output from this modeling did not meet the statistical confidence thresholds required to predict the impact of this variant on BRCA2 protein function. In summary, the available evidence is currently insufficient to determine the role of this variant in disease. Therefore, it has been classified as a Variant of Uncertain Significance.

Department of Clinical Genetics, Copenhagen University Hospital, Rigshospitalet
Classification: Likely pathogenic for Hereditary cancer-predisposing syndrome. Last evaluated: 2024-03-21. Review status: criteria provided, single submitter. Criteria: ACMG Guidelines, 2015. Collection method: clinical testing. Allele origin: germline. Affected: no. Not counted in ClinVar's aggregate classification.
Comment: The following ACMG criteria is used: PM2_Supporting (not reported in gnomAD), PP3 (Bayesdel 0.486); PS3 (PMID: 38417439). The variant does not affect splicing (in house lab data)

Literature cited by the submitters: PubMed 39779848 (cited by Color Diagnostics, LLC DBA Color Health and Quest Diagnostics Nichols Institute San Juan Capistrano); PubMed 39779857 (cited by Color Diagnostics, LLC DBA Color Health); PubMed 37415649 (cited by Quest Diagnostics Nichols Institute San Juan Capistrano).